The following is an entry in ClinVar:

NM_015512.5(DNAH1):c.10782C>T (p.Leu3594=)

Gene: DNAH1 (dynein axonemal heavy chain 1; plus strand). Cytogenetic location: 3p21.1.
Variant type: single nucleotide variant.
Coding change: c.10782C>T on transcript NM_015512.5 (MANE Select); coding-DNA position 10782, C replaced by T.
Protein change: p.Leu3594=; no amino-acid change (leucine 3594 retained).
Molecular consequence: synonymous variant.
Genome position (GRCh38, 1-based): chr3:52,394,620, C>T. VCF-style: chr3-52394620-C-T. GRCh37 (hg19) VCF-style: chr3-52428636-C-T.
Identifiers: ClinVar variation 2062691 (VCV002062691.28), dbSNP rs749208063, ClinGen allele CA2435946.

ClinVar aggregate classification (germline): Likely benign. Review status: criteria provided, multiple submitters, no conflicts (2 of 4 stars). 2 submissions from 2 submitters: Likely benign (2). Last evaluated 2023-02-01.

Conditions:
Spermatogenic failure 18. Identifiers: MedGen C4539783, MONDO:0054615, OMIM 617576.
Ciliary dyskinesia, primary, 37 (CILD37). Also called: CILIARY DYSKINESIA, PRIMARY, 37, WITH OR WITHOUT SITUS INVERSUS. Identifiers: MedGen C4539798, MONDO:0033204, OMIM 617577.

Allele frequency attached by ClinVar (database versions not stated): ExAC 0.00002; gnomAD exomes 0.00002; gnomAD 0.00003; TOPMed 0.00003.
gnomAD v4.1: 31 of 1,595,620 alleles (0.0019%); highest among the groups gnomAD compares: Middle Eastern, 0.017%; no homozygotes.

Submissions (2):

CeGaT Center for Human Genetics Tuebingen
Classification: Likely benign. Last evaluated: 2023-02-01. Review status: criteria provided, single submitter. Criteria: CeGaT Center For Human Genetics Tuebingen Variant Classification Criteria Version 2. Collection method: clinical testing. Allele origin: germline. Affected: yes. Observed: 1 variant allele.
Comment: DNAH1: BP4, BP7

Labcorp Genetics (formerly Invitae), Labcorp
Classification: Likely benign for Ciliary dyskinesia, primary, 37; Spermatogenic failure 18. Last evaluated: 2021-12-19. Review status: criteria provided, single submitter. Criteria: Invitae Variant Classification Sherloc (09022015). Collection method: clinical testing. Allele origin: germline.